The following is an entry in ClinVar:

ClinVar aggregate classification (germline): Pathogenic (1 of 4 stars; one submission).

Conditions:
Autosomal recessive severe congenital neutropenia due to G6PC3 deficiency. Also called: NEUTROPENIA, SEVERE CONGENITAL, 4, AUTOSOMAL RECESSIVE; G6PC3 Deficiency. Identifiers: Orphanet 331176, MedGen C2751630, MONDO:0012930, OMIM 612541.

Submission:

Labcorp Genetics (formerly Invitae), Labcorp
Classification: Pathogenic for Autosomal recessive severe congenital neutropenia due to G6PC3 deficiency. Last evaluated: 2023-04-08. Review status: criteria provided, single submitter. Criteria: Invitae Variant Classification Sherloc (09022015). Collection method: clinical testing. Allele origin: germline.
Comment: For these reasons, this variant has been classified as Pathogenic. This variant has not been reported in the literature in individuals affected with G6PC3-related conditions. This variant is not present in population databases (gnomAD no frequency). This sequence change creates a premature translational stop signal (p.Ile55Serfs*62) in the G6PC3 gene. It is expected to result in an absent or disrupted protein product. Loss-of-function variants in G6PC3 are known to be pathogenic (PMID: 19118303, 25491320).

Literature cited by the submitters: PubMed 19118303; PubMed 25491320.

NM_138387.4(G6PC3):c.163del (p.Ile55fs)

Genes: G6PC3 (glucose-6-phosphatase catalytic subunit 3; plus strand), LOC130060959 (ATAC-STARR-seq lymphoblastoid active region 12250; plus strand). Cytogenetic location: 17q21.31.
Variant type: Deletion.
Coding change: c.163del on transcript NM_138387.4 (MANE Select); coding-DNA position 163, one base deleted (A; older notation c.163delA).
Protein change: p.Ile55fs; shifts the reading frame from isoleucine 55.
Molecular consequence: frameshift variant. On other transcripts: 5 prime UTR variant (3), intron variant (1).
Genome position (GRCh38, 1-based): chr17:44,071,128, A deleted. VCF-style (leftmost placement, unchanged base first): chr17-44071127-CA-C. GRCh37 (hg19) VCF-style: chr17-42148495-CA-C.
Other names: c.163del, p.Ile55fs (NM_001319945.2); c.-242del (NM_001384165.1); c.-377del (NM_001384166.1); c.-367del (NM_001384167.1); c.-312+414del (NM_001384168.1); short protein forms I55fs.
Identifiers: ClinVar variation 2853520 (VCV002853520.3), dbSNP rs2509357939, ClinGen allele CA2739267564.